The following is an entry in ClinVar:

NM_001004334.4(GPR179):c.5074G>A (p.Asp1692Asn)

Gene: GPR179 (G protein-coupled receptor 179; minus strand). Cytogenetic location: 17q12.
Variant type: single nucleotide variant.
Coding change: c.5074G>A on transcript NM_001004334.4 (MANE Select); coding-DNA position 5074, G replaced by A.
Protein change: p.Asp1692Asn; replaces aspartic acid 1692 with asparagine.
Molecular consequence: missense variant.
Genome position (GRCh38, 1-based): chr17:38,328,495, C>T on the plus strand (G>A on the coding strand, the complement: GPR179 is on the minus strand). VCF-style: chr17-38328495-C-T. GRCh37 (hg19) VCF-style: chr17-36484378-C-T.
Other names: short protein forms D1692N.
Identifiers: ClinVar variation 1999694 (VCV001999694.4), dbSNP rs2037314300, ClinGen allele CA398873598.

ClinVar aggregate classification (germline): Uncertain significance (1 of 4 stars; one submission).

Submission:

Labcorp Genetics (formerly Invitae), Labcorp
Classification: Uncertain significance. Last evaluated: 2022-05-27. Review status: criteria provided, single submitter. Criteria: Invitae Variant Classification Sherloc (09022015). Collection method: clinical testing. Allele origin: germline.
Comment: This sequence change replaces aspartic acid, which is acidic and polar, with asparagine, which is neutral and polar, at codon 1692 of the GPR179 protein (p.Asp1692Asn). This variant is not present in population databases (gnomAD no frequency). This variant has not been reported in the literature in individuals affected with GPR179-related conditions. Algorithms developed to predict the effect of missense changes on protein structure and function are either unavailable or do not agree on the potential impact of this missense change (SIFT: "Tolerated"; PolyPhen-2: "Possibly Damaging"; Align-GVGD: "Class C0"). In summary, the available evidence is currently insufficient to determine the role of this variant in disease. Therefore, it has been classified as a Variant of Uncertain Significance.